The following is an entry in ClinVar:

NM_014271.4(IL1RAPL1):c.16C>A (p.Pro6Thr)

Gene: IL1RAPL1 (interleukin 1 receptor accessory protein like 1; plus strand). Cytogenetic location: Xp21.3.
Variant type: single nucleotide variant.
Coding change: c.16C>A on transcript NM_014271.4 (MANE Select); coding-DNA position 16, C replaced by A.
Protein change: p.Pro6Thr; replaces proline 6 with threonine.
Molecular consequence: missense variant.
Genome position (GRCh38, 1-based): chrX:28,789,359, C>A. VCF-style: chrX-28789359-C-A. GRCh37 (hg19) VCF-style: chrX-28807476-C-A.
Other names: short protein forms P6T.
Identifiers: ClinVar variation 3642467 (VCV003642467.2).

ClinVar aggregate classification (germline): Uncertain significance (1 of 4 stars; one submission).

Submission:

Labcorp Genetics (formerly Invitae), Labcorp
Classification: Uncertain significance. Last evaluated: 2024-02-22. Review status: criteria provided, single submitter. Criteria: Invitae Variant Classification Sherloc (09022015). Collection method: clinical testing. Allele origin: germline.
Comment: This sequence change replaces proline, which is neutral and non-polar, with threonine, which is neutral and polar, at codon 6 of the IL1RAPL1 protein (p.Pro6Thr). This variant is not present in population databases (gnomAD no frequency). This variant has not been reported in the literature in individuals affected with IL1RAPL1-related conditions. An algorithm developed to predict the effect of missense changes on protein structure and function (PolyPhen-2) suggests that this variant is likely to be tolerated. In summary, the available evidence is currently insufficient to determine the role of this variant in disease. Therefore, it has been classified as a Variant of Uncertain Significance.